The following is an entry in ClinVar:

NM_004984.4(KIF5A):c.1741GAG[2] (p.Glu583del)

Gene: KIF5A (kinesin family member 5A; plus strand). Cytogenetic location: 12q13.3.
Variant type: Microsatellite.
Coding change: c.1741GAG[2] on transcript NM_004984.4 (MANE Select); two copies in a row of the 3-base unit GAG starting at c.1741; the reference has three copies in a row; one copy, 3 bases deleted.
Protein change: p.Glu583del; deletes glutamic acid 583.
Molecular consequence: inframe deletion.
Genome position (GRCh38, 1-based): chr12:57,575,114-57,575,116, GAG deleted; deleting any 3 consecutive bases within chr12:57,575,108-57,575,116 gives the same sequence; the position shown is the placement nearest the transcript's 3' end. VCF-style (leftmost placement, unchanged base first): chr12-57575107-CGAG-C. GRCh37 (hg19) VCF-style: chr12-57968890-CGAG-C.
Other names: c.1474GAG[2], p.Glu494del (NM_001354705.2); short protein forms E494del, E583del.
Identifiers: ClinVar variation 2183855 (VCV002183855.4), dbSNP rs1882381684, ClinGen allele CA605313077.

ClinVar aggregate classification (germline): Uncertain significance (1 of 4 stars; one submission).

Conditions:
Spastic paraplegia. Identifiers: MedGen C0037772, HP:0001258.

Submission:

Labcorp Genetics (formerly Invitae), Labcorp
Classification: Uncertain significance for Spastic paraplegia. Last evaluated: 2024-03-25. Review status: criteria provided, single submitter. Criteria: Invitae Variant Classification Sherloc (09022015). Collection method: clinical testing. Allele origin: germline.
Comment: This variant, c.1747_1749del, results in the deletion of 1 amino acid(s) of the KIF5A protein (p.Glu583del), but otherwise preserves the integrity of the reading frame. This variant is present in population databases (no rsID available, gnomAD 0.01%). This variant has not been reported in the literature in individuals affected with KIF5A-related conditions. Experimental studies and prediction algorithms are not available or were not evaluated, and the functional significance of this variant is currently unknown. In summary, the available evidence is currently insufficient to determine the role of this variant in disease. Therefore, it has been classified as a Variant of Uncertain Significance.